The following is an entry in ClinVar:

NM_000465.4(BARD1):c.1131G>A (p.Gly377=)

Gene: BARD1 (BRCA1 associated RING domain 1; minus strand). Cytogenetic location: 2q35.
Variant type: single nucleotide variant.
Coding change: c.1131G>A on transcript NM_000465.4 (MANE Select); coding-DNA position 1131, G replaced by A.
Protein change: p.Gly377=; no amino-acid change (glycine 377 retained).
Molecular consequence: synonymous variant. On other transcripts: non-coding transcript variant (2), intron variant (3).
Genome position (GRCh38, 1-based): chr2:214,780,743, C>T on the plus strand (G>A on the coding strand, the complement: BARD1 is on the minus strand). VCF-style: chr2-214780743-C-T. GRCh37 (hg19) VCF-style: chr2-215645467-C-T.
Other names: c.1074G>A, p.Gly358= (NM_001282543.2); c.159-28188G>A (NM_001282548.2); c.215+16318G>A (NM_001282545.2); c.364+11554G>A (NM_001282549.2).
Identifiers: ClinVar variation 794295 (VCV000794295.12), dbSNP rs1574817193, ClinGen allele CA431391960.

ClinVar aggregate classification (germline): Benign/Likely benign. Review status: criteria provided, multiple submitters, no conflicts (2 of 4 stars). 2 submissions from 2 submitters: Benign (1); Likely benign (1). Last evaluated 2024-07-24.

Conditions:
Familial cancer of breast. Also called: hereditary breast carcinoma; Hereditary breast cancer; BREAST CANCER, FAMILIAL. Identifiers: Orphanet 227535, MedGen C0346153, MONDO:0016419, OMIM 114480. Disease mechanism: loss of function.

Submissions (2):

Myriad Genetics, Inc.
Classification: Benign for Familial cancer of breast. Last evaluated: 2024-07-24. Review status: criteria provided, single submitter. Criteria: Myriad Autosomal Dominant, Autosomal Recessive and X-Linked Classification Criteria (2023). Collection method: clinical testing. Allele origin: unknown.
Comment: This variant is considered benign. This variant is a silent/synonymous amino acid change and it is not expected to impact splicing.

Labcorp Genetics (formerly Invitae), Labcorp
Classification: Likely benign for Familial cancer of breast. Last evaluated: 2019-11-08. Review status: criteria provided, single submitter. Criteria: Invitae Variant Classification Sherloc (09022015). Collection method: clinical testing. Allele origin: germline.